The following is an entry in ClinVar:

ClinVar aggregate classification (germline): Uncertain significance. Review status: criteria provided, multiple submitters, no conflicts (2 of 4 stars). 10 submissions from 10 submitters: Uncertain significance (9). 1 of the submissions does not count toward it. Last evaluated 2026-03-02.

Conditions:
CAPN3-related disorder. Also called: CAPN3-related disorders; CAPN3-related condition. Identifiers: MedGen CN239245.
Inborn genetic diseases. Identifiers: MedGen C0950123, MeSH D030342.
Autosomal recessive limb-girdle muscular dystrophy type 2A (LGMDR1). Also called: Limb-girdle muscular dystrophy, type 2A; LEYDEN-MOEBIUS MUSCULAR DYSTROPHY; MUSCULAR DYSTROPHY, PELVOFEMORAL; Muscular dystrophy, limb-girdle, type 2A, Amish; Calpainopathy. Identifiers: Orphanet 267, MedGen C1869123, MONDO:0009675, OMIM 253600. Disease mechanism: loss of function.

Allele frequency attached by ClinVar (database versions not stated): gnomAD exomes 0.00001 and 0.00003; ExAC 0.00002; gnomAD 0.00007; TOPMed 0.00010.
gnomAD v4.1: 52 of 1,613,974 alleles (0.0032%); highest among the groups gnomAD compares: African/African-American, 0.0093%; no homozygotes.

Submissions (10):

Ambry Genetics
Classification: Uncertain significance for Inborn genetic diseases. Last evaluated: 2026-03-02. Review status: criteria provided, single submitter. Criteria: Ambry Variant Classification Scheme 2023. Collection method: clinical testing. Allele origin: germline.

Myriad Genetics, Inc.
Classification: Uncertain significance for Autosomal recessive limb-girdle muscular dystrophy type 2A. Last evaluated: 2025-12-15. Review status: criteria provided, single submitter. Criteria: Myriad Autosomal Dominant, Autosomal Recessive and X-Linked Classification Criteria (2023). Collection method: clinical testing. Allele origin: unknown.
Comment: NM_000070.2(CAPN3):c.41C>T(A14V) is a missense variant classified as a variant of uncertain significance in the context of calpainopathy. A14V has been observed in a case with relevant disease (PMID: 39678382). Relevant functional assessments of this variant are not available in the literature. A14V has been observed in referenced population frequency databases. In summary, there is insufficient evidence to classify NM_000070.2(CAPN3):c.41C>T(A14V) as pathogenic or benign. Please note: this variant was assessed in the context of healthy population screening.

Women's Health and Genetics/Laboratory Corporation of America, LabCorp
Classification: Uncertain significance. Last evaluated: 2025-10-10. Review status: criteria provided, single submitter. Criteria: LabCorp Variant Classification Summary - May 2015. Collection method: clinical testing. Allele origin: germline.
Comment: Variant summary: CAPN3 c.41C>T (p.Ala14Val) results in a non-conservative amino acid change in the encoded protein sequence. Algorithms developed to predict the effect of missense changes on protein structure and function are either unavailable or do not agree on the potential impact of this missense change. The variant allele was found at a frequency of 1.2e-05 in 250564 control chromosomes (gnomAD). The available data on variant occurrences in the general population are insufficient to allow any conclusion about variant significance. c.41C>T has been observed in one individual affected with limb-girdle muscular weakness (Bevilacqua_2024). The report does not provide unequivocal conclusions about association of the variant with Autosomal recessive limb-girdle muscular dystrophy type 2A. To our knowledge, no experimental evidence demonstrating an impact on protein function has been reported. The following publication have been ascertained in the context of this evaluation (PMID: 39678382). ClinVar contains an entry for this variant (Variation ID: 500229). Based on the evidence outlined above, the variant was classified as uncertain significance.

PreventionGenetics, part of Exact Sciences
Classification: Uncertain significance for CAPN3-related condition. Last evaluated: 2025-04-17. Review status: criteria provided, single submitter. Criteria: ACMG Guidelines, 2015. Collection method: clinical testing. Allele origin: germline.
Comment: The CAPN3 c.41C>T variant is predicted to result in the amino acid substitution p.Ala14Val. To our knowledge, this variant has not been reported in the literature. This variant is reported in 0.0041% of alleles in individuals of African descent in gnomAD. At this time, the clinical significance of this variant is uncertain due to the absence of conclusive functional and genetic evidence.

Dasa
Classification: Uncertain significance for Autosomal recessive limb-girdle muscular dystrophy type 2A. Last evaluated: 2024-12-17. Review status: criteria provided, single submitter. Criteria: DASA Assertion Criteria. Collection method: clinical testing. Allele origin: germline.
Comment: NM_000070.3(CAPN3):c.41C>T (p.Ala14Val) is a missense variant that results in the substitution of alanine with valine. This variant is rare in population databases. Computational prediction algorithms are consistent with a benign effect. The currently available literature and clinical evidence are not sufficient to establish a definitive association between this variant and the reported condition. Therefore, this variant is classified as a variant of uncertain significance.

Labcorp Genetics (formerly Invitae), Labcorp
Classification: Uncertain significance for Autosomal recessive limb-girdle muscular dystrophy type 2A. Last evaluated: 2024-02-28. Review status: criteria provided, single submitter. Criteria: Invitae Variant Classification Sherloc (09022015). Collection method: clinical testing. Allele origin: germline.
Comment: This sequence change replaces alanine, which is neutral and non-polar, with valine, which is neutral and non-polar, at codon 14 of the CAPN3 protein (p.Ala14Val). This variant is present in population databases (rs771263688, gnomAD 0.004%). This variant has not been reported in the literature in individuals affected with CAPN3-related conditions. ClinVar contains an entry for this variant (Variation ID: 500229). Advanced modeling of protein sequence and biophysical properties (such as structural, functional, and spatial information, amino acid conservation, physicochemical variation, residue mobility, and thermodynamic stability) has been performed at Invitae for this missense variant, however the output from this modeling did not meet the statistical confidence thresholds required to predict the impact of this variant on CAPN3 protein function. In summary, the available evidence is currently insufficient to determine the role of this variant in disease. Therefore, it has been classified as a Variant of Uncertain Significance.

GeneDx
Classification: Uncertain significance. Last evaluated: 2020-08-06. Review status: criteria provided, single submitter. Criteria: GeneDx Variant Classification Process June 2021. Collection method: clinical testing. Allele origin: germline. Affected: yes.
Comment: Not observed at a significant frequency in large population cohorts (Lek et al., 2016); In silico analysis, which includes protein predictors and evolutionary conservation, supports that this variant does not alter protein structure/function; Has not been previously published as pathogenic or benign to our knowledge

Revvity Omics, Revvity
Classification: Uncertain significance. Last evaluated: 2019-11-05. Review status: criteria provided, single submitter. Criteria: ACMG Guidelines, 2015. Collection method: clinical testing. Allele origin: germline.

Eurofins Ntd Llc (ga)
Classification: Uncertain significance. Last evaluated: 2017-02-02. Review status: criteria provided, single submitter. Criteria: EGL Classification Definitions 2015. Collection method: clinical testing. Allele origin: germline. Observed: 1 variant allele, 1 heterozygote.

Natera, Inc.
Classification: Uncertain significance for Limb-girdle muscular dystrophy type 2A. Last evaluated: 2019-10-28. Review status: no assertion criteria provided. Collection method: clinical testing. Allele origin: germline. Not counted in ClinVar's aggregate classification.

Literature cited by the submitters: PubMed 39678382 (cited by Myriad Genetics, Inc. and Women's Health and Genetics/Laboratory Corporation of America, LabCorp).

NM_000070.3(CAPN3):c.41C>T (p.Ala14Val)

Gene: CAPN3 (calpain 3; plus strand). Cytogenetic location: 15q15.1.
Variant type: single nucleotide variant.
Coding change: c.41C>T on transcript NM_000070.3 (MANE Select); coding-DNA position 41, C replaced by T.
Protein change: p.Ala14Val; replaces alanine 14 with valine.
Molecular consequence: missense variant.
Genome position (GRCh38, 1-based): chr15:42,359,846, C>T. VCF-style: chr15-42359846-C-T. GRCh37 (hg19) VCF-style: chr15-42652044-C-T.
Other names: c.41C>T, p.Ala14Val (NM_024344.2, NM_173087.2); short protein forms A14V.
Identifiers: ClinVar variation 500229 (VCV000500229.20), dbSNP rs771263688, ClinGen allele CA7510835.
Genomic context (GRCh38, chr15:42,359,846, plus strand): 5'-TTCTTCCAAAGCCACTTGCCATGCCGACCGTCATTAGCGCATCTGTGGCTCCAAGGACAG[C>T]GGCTGAGCCCCGGTCCCCAGGGCCAGTTCCTCACCCGGCCCAGAGCAAGGCCACTGAGGC-3'
Protein context (NP_000061.1, residues 4-24): VISASVAPRT[Ala14Val]AEPRSPGPVP